The following is an entry in ClinVar:

NM_198578.4(LRRK2):c.3546G>T (p.Gln1182His)

Gene: LRRK2 (leucine rich repeat kinase 2; plus strand). Cytogenetic location: 12q12.
Variant type: single nucleotide variant.
Coding change: c.3546G>T on transcript NM_198578.4 (MANE Select); coding-DNA position 3546, G replaced by T.
Protein change: p.Gln1182His; replaces glutamine 1182 with histidine.
Molecular consequence: missense variant.
Genome position (GRCh38, 1-based): chr12:40,302,838, G>T. VCF-style: chr12-40302838-G-T. GRCh37 (hg19) VCF-style: chr12-40696640-G-T.
Other names: short protein forms Q1182H.
Identifiers: ClinVar variation 3291954 (VCV003291954.1).

ClinVar aggregate classification (germline): Uncertain significance (1 of 4 stars; one submission).

Conditions:
Inborn genetic diseases. Identifiers: MedGen C0950123, MeSH D030342.

Submission:

Ambry Genetics
Classification: Uncertain significance for Inborn genetic diseases. Last evaluated: 2024-04-12. Review status: criteria provided, single submitter. Criteria: Ambry Variant Classification Scheme 2023. Collection method: clinical testing. Allele origin: germline.
Comment: The p.Q1182H variant (also known as c.3546G>T), located in coding exon 26 of the LRRK2 gene, results from a G to T substitution at nucleotide position 3546. The glutamine at codon 1182 is replaced by histidine, an amino acid with highly similar properties. This amino acid position is conserved. In addition, this alteration is predicted to be tolerated by in silico analysis. Based on the available evidence, the clinical significance of this variant remains unclear.